The following is an entry in ClinVar:

NM_003587.5(DHX16):c.447-2A>C

Gene: DHX16 (DEAH-box helicase 16; minus strand). Cytogenetic location: 6p21.33.
Variant type: single nucleotide variant.
Coding change: c.447-2A>C on transcript NM_003587.5 (MANE Select); the canonical splice acceptor site of the intron before coding-DNA position 447, A replaced by C.
Molecular consequence: splice acceptor variant.
Genome position (GRCh38, 1-based): chr6:30,670,954, T>G on the plus strand (A>C on the coding strand, the complement: DHX16 is on the minus strand). VCF-style: chr6-30670954-T-G. GRCh37 (hg19) VCF-style: chr6-30638731-T-G.
Other names: c.267-2A>C (NM_001164239.2); c.-1673-2A>C (NM_001363515.2).
Identifiers: ClinVar variation 3371914 (VCV003371914.1).

ClinVar aggregate classification (germline): Uncertain significance (1 of 4 stars; one submission).

Submission:

GeneDx
Classification: Uncertain significance. Last evaluated: 2024-04-04. Review status: criteria provided, single submitter. Criteria: GeneDx Variant Classification Process June 2021. Collection method: clinical testing. Allele origin: germline. Affected: yes.
Comment: Not observed at significant frequency in large population cohorts (gnomAD); Has not been previously published as pathogenic or benign to our knowledge; Canonical splice site variant in a gene for which loss-of-function is not a known mechanism of disease